The following is an entry in ClinVar:

ClinVar aggregate classification (germline): Uncertain significance. Review status: criteria provided, multiple submitters, no conflicts (2 of 4 stars). 2 submissions from 2 submitters: Uncertain significance (2). Last evaluated 2024-08-31.

Conditions:
Emery-Dreifuss muscular dystrophy 5, autosomal dominant (EDMD5). Also called: EMERY-DREIFUSS MUSCULAR DYSTROPHY 5. Identifiers: Orphanet 261, MedGen C2751805, MONDO:0013072, OMIM 612999.

Allele frequency attached by ClinVar (database versions not stated): gnomAD 0.00004; TOPMed 0.00006; ExAC 0.00007; ESP Exome Variant Server 0.00008.
gnomAD v4.1: 64 of 1,613,950 alleles (0.004%); highest among the groups gnomAD compares: East Asian, 0.013%; no homozygotes.

Submissions (2):

Labcorp Genetics (formerly Invitae), Labcorp
Classification: Uncertain significance for Emery-Dreifuss muscular dystrophy 5, autosomal dominant. Last evaluated: 2024-08-31. Review status: criteria provided, single submitter. Criteria: Invitae Variant Classification Sherloc (09022015). Collection method: clinical testing. Allele origin: germline.
Comment: This sequence change replaces arginine, which is basic and polar, with tryptophan, which is neutral and slightly polar, at codon 2812 of the SYNE2 protein (p.Arg2812Trp). This variant is present in population databases (rs201429515, gnomAD 0.01%). This variant has not been reported in the literature in individuals affected with SYNE2-related conditions. ClinVar contains an entry for this variant (Variation ID: 1960821). An algorithm developed to predict the effect of missense changes on protein structure and function (PolyPhen-2) suggests that this variant is likely to be disruptive. In summary, the available evidence is currently insufficient to determine the role of this variant in disease. Therefore, it has been classified as a Variant of Uncertain Significance.

Ambry Genetics
Classification: Uncertain significance. Last evaluated: 2023-04-18. Review status: criteria provided, single submitter. Criteria: Ambry Variant Classification Scheme 2023. Collection method: clinical testing. Allele origin: germline.

NM_182914.3(SYNE2):c.8434C>T (p.Arg2812Trp)

Gene: SYNE2 (spectrin repeat containing nuclear envelope protein 2; plus strand). Cytogenetic location: 14q23.2.
Variant type: single nucleotide variant.
Coding change: c.8434C>T on transcript NM_182914.3 (MANE Select); coding-DNA position 8434, C replaced by T.
Protein change: p.Arg2812Trp; replaces arginine 2812 with tryptophan.
Molecular consequence: missense variant.
Genome position (GRCh38, 1-based): chr14:64,052,347, C>T. VCF-style: chr14-64052347-C-T. GRCh37 (hg19) VCF-style: chr14-64519065-C-T.
Other names: c.8434C>T, p.Arg2812Trp (NM_015180.6); c.8434C>T (NM_182914.2); short protein forms R2812W.
Identifiers: ClinVar variation 1960821 (VCV001960821.6), dbSNP rs201429515, ClinGen allele CA7221109.